The following is an entry in ClinVar:

ClinVar aggregate classification (germline): Uncertain significance (1 of 4 stars; one submission).

Allele frequency attached by ClinVar (database versions not stated): TOPMed below 0.00001.

Submission:

GeneDx
Classification: Uncertain significance. Last evaluated: 2023-02-03. Review status: criteria provided, single submitter. Criteria: GeneDx Variant Classification Process June 2021. Collection method: clinical testing. Allele origin: germline. Affected: yes.
Comment: Has not been previously published as pathogenic or benign to our knowledge; Not observed at significant frequency in large population cohorts (gnomAD); In silico analysis supports that this missense variant has a deleterious effect on protein structure/function

NM_014244.5(ADAMTS2):c.1732G>A (p.Gly578Ser)

Gene: ADAMTS2 (ADAM metallopeptidase with thrombospondin type 1 motif 2; minus strand). Cytogenetic location: 5q35.3.
Variant type: single nucleotide variant.
Coding change: c.1732G>A on transcript NM_014244.5 (MANE Select); coding-DNA position 1732, G replaced by A.
Protein change: p.Gly578Ser; replaces glycine 578 with serine.
Molecular consequence: missense variant.
Genome position (GRCh38, 1-based): chr5:179,139,933, C>T on the plus strand (G>A on the coding strand, the complement: ADAMTS2 is on the minus strand). VCF-style: chr5-179139933-C-T. GRCh37 (hg19) VCF-style: chr5-178566934-C-T.
Other names: short protein forms G578S.
Identifiers: ClinVar variation 2575038 (VCV002575038.1), dbSNP rs925224454, ClinGen allele CA133040231.